The following is an entry in ClinVar:

ClinVar aggregate classification (germline): Uncertain significance (1 of 4 stars; one submission).

gnomAD v4.1: 1 of 1,613,130 alleles (0.000062%); highest among the groups gnomAD compares: Non-Finnish European, 0.000085%; no homozygotes.

Submission:

Labcorp Genetics (formerly Invitae), Labcorp
Classification: Uncertain significance. Last evaluated: 2024-10-30. Review status: criteria provided, single submitter. Criteria: Invitae Variant Classification Sherloc (09022015). Collection method: clinical testing. Allele origin: germline.
Comment: This sequence change replaces aspartic acid, which is acidic and polar, with tyrosine, which is neutral and polar, at codon 53 of the DYNC1I1 protein (p.Asp53Tyr). This variant is not present in population databases (gnomAD no frequency). This variant has not been reported in the literature in individuals affected with DYNC1I1-related conditions. An algorithm developed to predict the effect of missense changes on protein structure and function (PolyPhen-2) suggests that this variant is likely to be disruptive. In summary, the available evidence is currently insufficient to determine the role of this variant in disease. Therefore, it has been classified as a Variant of Uncertain Significance.

NM_001135556.2(DYNC1I1):c.157G>T (p.Asp53Tyr)

Gene: DYNC1I1 (dynein cytoplasmic 1 intermediate chain 1; plus strand). Cytogenetic location: 7q21.3.
Variant type: single nucleotide variant.
Coding change: c.157G>T on transcript NM_001135556.2 (MANE Select); coding-DNA position 157, G replaced by T.
Protein change: p.Asp53Tyr; replaces aspartic acid 53 with tyrosine.
Molecular consequence: missense variant.
Genome position (GRCh38, 1-based): chr7:95,810,440, G>T. VCF-style: chr7-95810440-G-T. GRCh37 (hg19) VCF-style: chr7-95439752-G-T.
Other names: c.157G>T, p.Asp53Tyr (NM_001135557.2, NM_001278421.2, NM_001278422.2 and 1 more transcripts); short protein forms D53Y.
Identifiers: ClinVar variation 3722416 (VCV003722416.2).
Genomic context (GRCh38, chr7:95,810,440, plus strand): 5'-GTCTACTTCTAGGCTGATATGCAGCAGAAGAAAGAACCCGTTCAGGACGACTCTGATCTG[G>T]ATCGCAAACGACGAGAGACAGAGGCTTTGCTGCAAAGCATTGGTATCTCACCGGAGCCGC-3'
Protein context (NP_001129028.1, residues 43-63): KEPVQDDSDL[Asp53Tyr]RKRRETEALL